The following is an entry in ClinVar:

NM_000548.5(TSC2):c.1659C>T (p.Tyr553=)

Gene: TSC2 (TSC complex subunit 2; plus strand). Cytogenetic location: 16p13.3.
Variant type: single nucleotide variant.
Coding change: c.1659C>T on transcript NM_000548.5 (MANE Select); coding-DNA position 1659, C replaced by T.
Protein change: p.Tyr553=; no amino-acid change (tyrosine 553 retained).
Molecular consequence: synonymous variant.
Genome position (GRCh38, 1-based): chr16:2,065,578, C>T. VCF-style: chr16-2065578-C-T. GRCh37 (hg19) VCF-style: chr16-2115579-C-T.
Other names: c.1659C>T, p.Tyr553= (NM_001077183.3, NM_001114382.3, NM_001363528.2 and 3 more transcripts); c.1548C>T, p.Tyr516= (NM_001318827.2); c.1512C>T, p.Tyr504= (NM_001318829.2); c.1059C>T, p.Tyr353= (NM_001318831.2); c.1692C>T, p.Tyr564= (NM_001318832.2).
Identifiers: ClinVar variation 467888 (VCV000467888.15), dbSNP rs1358358656, ClinGen allele CA492947849.

ClinVar aggregate classification (germline): Benign/Likely benign. Review status: criteria provided, multiple submitters, no conflicts (2 of 4 stars). 3 submissions from 3 submitters: Benign (1); Likely benign (2). Last evaluated 2025-05-15.

Conditions:
Tuberous sclerosis 2 (TSC2). Identifiers: Orphanet 805, MedGen C1860707, MONDO:0013199, OMIM 613254.
Hereditary cancer-predisposing syndrome. Also called: Hereditary neoplastic syndrome; Neoplastic Syndromes, Hereditary; Tumor predisposition; Hereditary Cancer Syndrome. Identifiers: Orphanet 140162, MedGen C0027672, MeSH D009386, MONDO:0015356.

Allele frequency attached by ClinVar (database versions not stated): gnomAD exomes below 0.00001; TOPMed below 0.00001; gnomAD 0.00001.
gnomAD v4.1: 3 of 1,613,804 alleles (0.00019%); highest among the groups gnomAD compares: Non-Finnish European, 0.00025%; no homozygotes.

Submissions (3):

Myriad Genetics, Inc.
Classification: Benign for Tuberous sclerosis 2. Last evaluated: 2025-05-15. Review status: criteria provided, single submitter. Criteria: Myriad Autosomal Dominant, Autosomal Recessive and X-Linked Classification Criteria (2023). Collection method: clinical testing. Allele origin: unknown.
Comment: This variant is considered benign. This variant is a silent/synonymous amino acid change and it is not expected to impact splicing.

Labcorp Genetics (formerly Invitae), Labcorp
Classification: Likely benign for Tuberous sclerosis 2. Last evaluated: 2025-04-07. Review status: criteria provided, single submitter. Criteria: Invitae Variant Classification Sherloc (09022015). Collection method: clinical testing. Allele origin: germline.

Ambry Genetics
Classification: Likely benign for Hereditary cancer-predisposing syndrome. Last evaluated: 2022-09-28. Review status: criteria provided, single submitter. Criteria: Ambry Variant Classification Scheme 2023. Collection method: clinical testing. Allele origin: germline.